The following is an entry in ClinVar:

NM_006277.3(ITSN2):c.3332A>G (p.His1111Arg)

Gene: ITSN2 (intersectin 2; minus strand). Cytogenetic location: 2p23.3.
Variant type: single nucleotide variant.
Coding change: c.3332A>G on transcript NM_006277.3 (MANE Select); coding-DNA position 3332, A replaced by G.
Protein change: p.His1111Arg; replaces histidine 1111 with arginine.
Molecular consequence: missense variant.
Genome position (GRCh38, 1-based): chr2:24,246,850, T>C on the plus strand (A>G on the coding strand, the complement: ITSN2 is on the minus strand). VCF-style: chr2-24246850-T-C. GRCh37 (hg19) VCF-style: chr2-24469719-T-C.
Other names: c.3290A>G, p.His1097Arg (NM_001348181.2); c.3212A>G, p.His1071Arg (NM_001348182.2, NM_001348186.2); c.3251A>G, p.His1084Arg (NM_001348183.2, NM_019595.4); c.3209A>G, p.His1070Arg (NM_001348184.2); c.3293A>G, p.His1098Arg (NM_001348185.2); c.3332A>G, p.His1111Arg (NM_147152.3); short protein forms H1070R, H1084R, H1097R, H1098R, H1111R, H1071R.
Identifiers: ClinVar variation 2780507 (VCV002780507.3), dbSNP rs1042593994, ClinGen allele CA346016852.

ClinVar aggregate classification (germline): Uncertain significance (1 of 4 stars; one submission).

Submission:

Labcorp Genetics (formerly Invitae), Labcorp
Classification: Uncertain significance. Last evaluated: 2025-04-17. Review status: criteria provided, single submitter. Criteria: Invitae Variant Classification Sherloc (09022015). Collection method: clinical testing. Allele origin: germline.
Comment: This sequence change replaces histidine, which is basic and polar, with arginine, which is basic and polar, at codon 1111 of the ITSN2 protein (p.His1111Arg). This variant is not present in population databases (gnomAD no frequency). This variant has not been reported in the literature in individuals affected with ITSN2-related conditions. ClinVar contains an entry for this variant (Variation ID: 2780507). Experimental studies and prediction algorithms are not available or were not evaluated, and the functional significance of this variant is currently unknown. In summary, the available evidence is currently insufficient to determine the role of this variant in disease. Therefore, it has been classified as a Variant of Uncertain Significance.